The following is an entry in ClinVar:

NM_001244008.2(KIF1A):c.3946C>T (p.Pro1316Ser)

Gene: KIF1A (kinesin family member 1A; minus strand). Cytogenetic location: 2q37.3.
Variant type: single nucleotide variant.
Coding change: c.3946C>T on transcript NM_001244008.2 (MANE Select); coding-DNA position 3946, C replaced by T.
Protein change: p.Pro1316Ser; replaces proline 1316 with serine.
Molecular consequence: missense variant.
Genome position (GRCh38, 1-based): chr2:240,737,124, G>A on the plus strand (C>T on the coding strand, the complement: KIF1A is on the minus strand). VCF-style: chr2-240737124-G-A. GRCh37 (hg19) VCF-style: chr2-241676541-G-A.
Other names: c.3670C>T, p.Pro1224Ser (NM_001320705.2, NM_001330289.2, NM_001379638.1); c.3745C>T, p.Pro1249Ser (NM_001330290.2, NM_001379634.1, NM_001379635.1 and 1 more transcripts); c.4021C>T, p.Pro1341Ser (NM_001379631.1); c.3895C>T, p.Pro1299Ser (NM_001379632.1); c.3919C>T, p.Pro1307Ser (NM_001379633.1, NM_001379642.1, NM_001379645.1); c.3757C>T, p.Pro1253Ser (NM_001379636.1); c.3718C>T, p.Pro1240Ser (NM_001379637.1, NM_001379648.1); c.3643C>T, p.Pro1215Ser (NM_001379639.1, NM_001379641.1, NM_001379649.1 and 4 more transcripts); and 1 more; short protein forms P1299S, P1316S, P1341S, P1214S, P1240S, P1224S, P1249S, P1215S.
Identifiers: ClinVar variation 4982385 (VCV004982385.1).

ClinVar aggregate classification (germline): Uncertain significance (1 of 4 stars; one submission).

Conditions:
KIF1A-related disorder. Also called: KIF1A-related disorders; KIF1A-related condition.

Submission:

PreventionGenetics, part of Exact Sciences
Classification: Uncertain significance for KIF1A-related condition. Last evaluated: 2026-04-14. Review status: criteria provided, single submitter. Criteria: ACMG Guidelines, 2015. Collection method: clinical testing. Allele origin: germline.
Comment: The KIF1A c.3946C>T variant is predicted to result in the amino acid substitution p.Pro1316Ser. To our knowledge, this variant has not been reported in the literature or in a large population database (gnomAD), indicating this variant is rare. At this time, the clinical significance of this variant is uncertain due to the absence of conclusive functional and genetic evidence.